The following is an entry in ClinVar:

ClinVar aggregate classification (germline): Pathogenic/Likely pathogenic. Review status: criteria provided, multiple submitters, no conflicts (2 of 4 stars). 2 submissions from 2 submitters: Pathogenic (1); Likely pathogenic (1). Last evaluated 2026-02-13.

Conditions:
Cone dystrophy 4 (COD4). Identifiers: Orphanet 49382, MedGen C2751308, MONDO:0013129, OMIM 613093.

Submissions (2):

OLLIN Analises Genomicas, OLLIN
Classification: Likely pathogenic for Cone dystrophy 4. Last evaluated: 2026-02-13. Review status: criteria provided, single submitter. Criteria: ACMG Guidelines 2015 PMID 25741868. Collection method: clinical testing. Allele origin: germline. Observed: 2 variant alleles.
Comment: PVS1, PM2_P

Labcorp Genetics (formerly Invitae), Labcorp
Classification: Pathogenic. Last evaluated: 2022-05-04. Review status: criteria provided, single submitter. Criteria: Invitae Variant Classification Sherloc (09022015). Collection method: clinical testing. Allele origin: germline.
Comment: This sequence change creates a premature translational stop signal (p.Val268Aspfs*4) in the PDE6C gene. It is expected to result in an absent or disrupted protein product. Loss-of-function variants in PDE6C are known to be pathogenic (PMID: 19887631, 23776498, 26103963, 30080950). This variant is not present in population databases (gnomAD no frequency). This variant has not been reported in the literature in individuals affected with PDE6C-related conditions. For these reasons, this variant has been classified as Pathogenic.

Literature cited by the submitters: PubMed 19887631 (cited by Labcorp Genetics (formerly Invitae), Labcorp); PubMed 23776498 (cited by Labcorp Genetics (formerly Invitae), Labcorp); PubMed 26103963 (cited by Labcorp Genetics (formerly Invitae), Labcorp); PubMed 30080950 (cited by Labcorp Genetics (formerly Invitae), Labcorp).

NM_006204.4(PDE6C):c.801_804del (p.Val268fs)

Gene: PDE6C (phosphodiesterase 6C; plus strand). Cytogenetic location: 10q23.33.
Variant type: Deletion.
Coding change: c.801_804del on transcript NM_006204.4 (MANE Select); coding-DNA positions 801 to 804, 4 bases deleted (GGTT; older notation c.801_804delGGTT).
Protein change: p.Val268fs; shifts the reading frame from valine 268.
Molecular consequence: frameshift variant.
Genome position (GRCh38, 1-based): chr10:93,622,009-93,622,012, GGTT deleted. VCF-style (leftmost placement, unchanged base first): chr10-93622008-CGGTT-C. GRCh37 (hg19) VCF-style: chr10-95381765-CGGTT-C.
Other names: short protein forms V268fs.
Identifiers: ClinVar variation 2133879 (VCV002133879.5), dbSNP rs2492506474, ClinGen allele CA2580082487.